The following is an entry in ClinVar:

NM_000089.4(COL1A2):c.2575G>A (p.Gly859Ser)

Gene: COL1A2 (collagen type I alpha 2 chain; plus strand). Cytogenetic location: 7q21.3.
Variant type: single nucleotide variant.
Coding change: c.2575G>A on transcript NM_000089.4 (MANE Select); coding-DNA position 2575, G replaced by A.
Protein change: p.Gly859Ser; replaces glycine 859 with serine.
Molecular consequence: missense variant.
Genome position (GRCh38, 1-based): chr7:94,424,345, G>A. VCF-style: chr7-94424345-G-A. GRCh37 (hg19) VCF-style: chr7-94053657-G-A.
Other names: c.2575G>A (NM_000089.3); short protein forms G859S.
Identifiers: ClinVar variation 17261 (VCV000017261.5), dbSNP rs72658200, ClinGen allele CA257780.

ClinVar aggregate classification (germline): Pathogenic/Likely pathogenic. Review status: criteria provided, multiple submitters, no conflicts (2 of 4 stars). 4 submissions from 4 submitters: Pathogenic (2); Likely pathogenic (1). 1 of the submissions does not count toward it. Last evaluated 2025-03-17.

Conditions:
Ehlers-Danlos syndrome, classic type, 1 (EDSCL1). Also called: EHLERS-DANLOS SYNDROME, GRAVIS TYPE; EHLERS-DANLOS SYNDROME, SEVERE CLASSIC TYPE; EDS I; Ehlers-Danlos syndrome, type 1; Ehlers-Danlos Syndrome, Classic Type, COL5A1-Related. Identifiers: MedGen C0268335, MONDO:0019567, OMIM 130000.
Osteogenesis imperfecta type I (OI1). Also called: Classic Non-deforming Osteogenesis Imperfecta with Blue Sclerae; Lobstein disease; Lobstein's Disease; OI, TYPE I; OSTEOGENESIS IMPERFECTA TARDA; OSTEOGENESIS IMPERFECTA WITH BLUE SCLERAE. Identifiers: Orphanet 216796, Orphanet 666, MedGen C0023931, MONDO:0008146, OMIM 166200. Disease mechanism: loss of function.
COL1A2-related disorder. Also called: COL1A2-Related Disorders; COL1A2-related condition.
Osteogenesis imperfecta (OI). Identifiers: Orphanet 666, MedGen C0029434, MeSH D010013, MONDO:0019019.
Osteogenesis imperfecta type III (OI3). Also called: Progressively Deforming Osteogenesis Imperfecta; Osteogenesis imperfecta type 3; OI type 3; Osteogenesis imperfecta, progressively deforming with normal sclerae; OI type III. Identifiers: Orphanet 216812, Orphanet 666, MedGen C0268362, MONDO:0009804, OMIM 259420.

Submissions (4):

Labcorp Genetics (formerly Invitae), Labcorp
Classification: Pathogenic for Osteogenesis imperfecta type I; Ehlers-Danlos syndrome, classic type, 1. Last evaluated: 2025-03-17. Review status: criteria provided, single submitter. Criteria: Invitae Variant Classification Sherloc (09022015). Collection method: clinical testing. Allele origin: germline.
Comment: This sequence change replaces glycine, which is neutral and non-polar, with serine, which is neutral and polar, at codon 859 of the COL1A2 protein (p.Gly859Ser). This variant is not present in population databases (gnomAD no frequency). This missense change has been observed in individual(s) with osteogenesis imperfecta type 1 (PMID: 15241796). ClinVar contains an entry for this variant (Variation ID: 17261). Invitae Evidence Modeling of protein sequence and biophysical properties (such as structural, functional, and spatial information, amino acid conservation, physicochemical variation, residue mobility, and thermodynamic stability) indicates that this missense variant is expected to disrupt COL1A2 protein function with a positive predictive value of 95%. This variant disrupts the triple helix domain of COL1A2. Glycine residues within the Gly-Xaa-Yaa repeats of the triple helix domain are required for the structure and stability of fibrillar collagens (PMID: 7695699, 8218237, 19344236). In COL1A2, variants affecting these glycine residues are significantly enriched in individuals with disease (PMID: 9016532, 17078022) compared to the general population (ExAC). This variant disrupts the p.Gly859 amino acid residue in COL1A2. Other variant(s) that disrupt this residue have been observed in individuals with COL1A2-related conditions (PMID: 15241796; internal data), which suggests that this may be a clinically significant amino acid residue. For these reasons, this variant has been classified as Pathogenic.

Women's Health and Genetics/Laboratory Corporation of America, LabCorp
Classification: Pathogenic for Osteogenesis imperfecta. Last evaluated: 2023-03-22. Review status: criteria provided, single submitter. Criteria: LabCorp Variant Classification Summary - May 2015. Collection method: clinical testing. Allele origin: germline.
Comment: Variant summary: COL1A2 c.2575G>A (p.Gly859Ser) results in a non-conservative amino acid change in the encoded protein sequence. Five of five in-silico tools predict a damaging effect of the variant on protein function. The variant was absent in 251438 control chromosomes (gnomAD). c.2575G>A has been reported in the literature in several individuals affected with Osteogenesis Imperfecta (e.g. Rose_1994, Hartikka_2004, Barkova_2015). These data indicate that the variant is likely to be associated with disease. To our knowledge, no experimental evidence demonstrating an impact on protein function has been reported. However, alterations of glycine residues within the collagen triple-helix are common mechanisms of disease. No clinical diagnostic laboratories have submitted clinical-significance assessments for this variant to ClinVar after 2014. Based on the evidence outlined above, the variant was classified as pathogenic.

Blueprint Genetics
Classification: Likely pathogenic for COL1A2-related disorders. Last evaluated: 2020-12-31. Review status: criteria provided, single submitter. Criteria: ACMG Guidelines, 2015. Collection method: clinical testing. Allele origin: germline. Affected: yes. Observed: 2 variant alleles.

OMIM
Classification: Pathogenic for OSTEOGENESIS IMPERFECTA, TYPE III. Last evaluated: 1994-01-01. Review status: no assertion criteria provided. Collection method: literature only. Allele origin: germline. Not counted in ClinVar's aggregate classification.

Literature cited by the submitters: PubMed 15241796 (cited by Labcorp Genetics (formerly Invitae), Labcorp and Women's Health and Genetics/Laboratory Corporation of America, LabCorp); PubMed 7695699 (cited by Labcorp Genetics (formerly Invitae), Labcorp); PubMed 8218237 (cited by Labcorp Genetics (formerly Invitae), Labcorp); PubMed 19344236 (cited by Labcorp Genetics (formerly Invitae), Labcorp); PubMed 9016532 (cited by Labcorp Genetics (formerly Invitae), Labcorp); PubMed 17078022 (cited by Labcorp Genetics (formerly Invitae), Labcorp); PubMed 8081394 (cited by Women's Health and Genetics/Laboratory Corporation of America, LabCorp and OMIM); PubMed 24863959 (cited by Women's Health and Genetics/Laboratory Corporation of America, LabCorp); PubMed 3995789 (cited by OMIM); PubMed 3023615 (cited by OMIM).